The following is an entry in ClinVar:

ClinVar aggregate classification (germline): Conflicting classifications of pathogenicity. Review status: criteria provided, conflicting classifications (1 of 4 stars). 3 submissions from 3 submitters: Uncertain significance (1); Likely benign (2). Last evaluated 2025-07-27.

Conditions:
Inborn genetic diseases. Identifiers: MedGen C0950123, MeSH D030342.
Baller-Gerold syndrome (BGS). Also called: CRANIOSYNOSTOSIS WITH RADIAL DEFECTS. Identifiers: Orphanet 1225, MedGen C0265308, MONDO:0009039, OMIM 218600.

Allele frequency attached by ClinVar (database versions not stated): TOPMed below 0.00001; gnomAD 0.00003; gnomAD exomes 0.00003 and 0.00009; ExAC 0.00012.
gnomAD v4.1: 55 of 1,605,664 alleles (0.0034%); highest among the groups gnomAD compares: South Asian, 0.057%; no homozygotes.

Submissions (3):

Labcorp Genetics (formerly Invitae), Labcorp
Classification: Likely benign for Baller-Gerold syndrome. Last evaluated: 2025-07-27. Review status: criteria provided, single submitter. Criteria: Invitae Variant Classification Sherloc (09022015). Collection method: clinical testing. Allele origin: germline.

Ambry Genetics
Classification: Likely benign for Inborn genetic diseases. Last evaluated: 2025-05-11. Review status: criteria provided, single submitter. Criteria: Ambry Variant Classification Scheme 2023. Collection method: clinical testing. Allele origin: germline.

Neuberg Centre For Genomic Medicine, NCGM
Classification: Uncertain significance for Baller-Gerold syndrome. Review status: criteria provided, single submitter. Criteria: ACMG Guidelines, 2015. Collection method: clinical testing. Allele origin: germline. Inheritance: Autosomal recessive inheritance. Affected: yes.
Comment: The splice region variant in c.1485C>T(p.Gly495) in RECQL4 gene has not been reported previously as a pathogenic variant nor as a benign variant, to our knowledge. This variant might affect splice site. The p.Gly495 variant is novel (not in any individuals) in 1000 Genomes and has allele frequency of 0.009% in gnomAD database. This variant has not been reported to the ClinVar database. For these reasons, this variant has been classified as Uncertain Significance (VUS).

NM_004260.4(RECQL4):c.1485C>T (p.Gly495=)

Gene: RECQL4 (RecQ like helicase 4; minus strand). Cytogenetic location: 8q24.3.
Variant type: single nucleotide variant.
Coding change: c.1485C>T on transcript NM_004260.4 (MANE Select); coding-DNA position 1485, C replaced by T.
Protein change: p.Gly495=; no amino-acid change (glycine 495 retained).
Molecular consequence: synonymous variant.
Genome position (GRCh38, 1-based): chr8:144,515,071, G>A on the plus strand (C>T on the coding strand, the complement: RECQL4 is on the minus strand). VCF-style: chr8-144515071-G-A. GRCh37 (hg19) VCF-style: chr8-145740455-G-A.
Other names: c.1485C>T (NM_004260.3).
Identifiers: ClinVar variation 1631021 (VCV001631021.9), dbSNP rs773682937, ClinGen allele CA4948826.